The following is an entry in ClinVar:

NM_139076.3(ABRAXAS1):c.350T>C (p.Leu117Pro)

Gene: ABRAXAS1 (abraxas 1, BRCA1 A complex subunit; minus strand). Cytogenetic location: 4q21.23.
Variant type: single nucleotide variant.
Coding change: c.350T>C on transcript NM_139076.3 (MANE Select); coding-DNA position 350, T replaced by C.
Protein change: p.Leu117Pro; replaces leucine 117 with proline.
Molecular consequence: missense variant.
Genome position (GRCh38, 1-based): chr4:83,470,329, A>G on the plus strand (T>C on the coding strand, the complement: ABRAXAS1 is on the minus strand). VCF-style: chr4-83470329-A-G. GRCh37 (hg19) VCF-style: chr4-84391482-A-G.
Other names: c.23T>C, p.Leu8Pro (NM_001345962.2); short protein forms L117P, L8P.
Identifiers: ClinVar variation 2564000 (VCV002564000.2), dbSNP rs2529438261, ClinGen allele CA357260015.

ClinVar aggregate classification (germline): Uncertain significance (1 of 4 stars; one submission).

Submission:

Ambry Genetics
Classification: Uncertain significance. Last evaluated: 2023-05-31. Review status: criteria provided, single submitter. Criteria: Ambry Variant Classification Scheme 2023. Collection method: clinical testing. Allele origin: germline.
Comment: The p.L117P variant (also known as c.350T>C), located in coding exon 5 of the FAM175A gene, results from a T to C substitution at nucleotide position 350. The leucine at codon 117 is replaced by proline, an amino acid with similar properties. This amino acid position is conserved. In addition, this alteration is predicted to be deleterious by in silico analysis. Since supporting evidence is limited at this time, the clinical significance of this alteration remains unclear.